The following is an entry in ClinVar:

ClinVar aggregate classification (germline): Likely pathogenic (1 of 4 stars; one submission).

Conditions:
Hereditary spherocytosis type 1. Also called: Spherocytosis type 1; ANK1-Related Spherocytosis. Identifiers: Orphanet 822, MedGen C2674218, MONDO:0008447, OMIM 182900.

Submission:

3billion
Classification: Likely pathogenic for Hereditary spherocytosis type 1. Last evaluated: 2024-11-14. Review status: criteria provided, single submitter. Criteria: ACMG Guidelines, 2015. Collection method: clinical testing. Allele origin: germline. Affected: yes.
Comment: The variant is not observed in the gnomAD v4.1.0 dataset. Predicted Consequence/Location: Frameshift: predicted to result in a loss or disruption of normal protein function through nonsense-mediated decay (NMD) or protein truncation. Multiple pathogenic variants are reported downstream of the variant. Therefore, this variant is classified as Likely pathogenic according to the recommendation of ACMG/AMP guideline.

NM_000037.4(ANK1):c.1872dup (p.Gly625fs)

Gene: ANK1 (ankyrin 1; minus strand). Cytogenetic location: 8p11.21.
Variant type: Duplication.
Coding change: c.1872dup on transcript NM_000037.4 (MANE Select); coding-DNA position 1872, one base duplicated (T; older notation c.1872dupT).
Protein change: p.Gly625fs; shifts the reading frame from glycine 625.
Molecular consequence: frameshift variant.
Genome position (GRCh38, 1-based): chr8:41,708,904, A duplicated on the plus strand (T on the coding strand, the reverse complement: ANK1 is on the minus strand). VCF-style (leftmost placement, unchanged base first): chr8-41708903-C-CA. GRCh37 (hg19) VCF-style: chr8-41566421-C-CA.
Other names: c.1971dup, p.Gly658fs (NM_001142446.2); c.1872dup, p.Gly625fs (NM_020475.3, NM_020476.3, NM_020477.3); short protein forms G625fs, G658fs.
Identifiers: ClinVar variation 4291755 (VCV004291755.1).